The following is an entry in ClinVar:

NM_021072.4(HCN1):c.201_203del (p.Gly74del)

Gene: HCN1 (hyperpolarization activated cyclic nucleotide gated potassium channel 1; minus strand). Cytogenetic location: 5p12.
Variant type: Deletion.
Coding change: c.201_203del on transcript NM_021072.4 (MANE Select); coding-DNA positions 201 to 203, 3 bases deleted (TGG; older notation c.201_203delTGG).
Protein change: p.Gly74del; deletes glycine 74.
Genome position (GRCh38, 1-based): chr5:45,695,891-45,695,893, CCA deleted on the plus strand (TGG on the coding strand, the reverse complement: HCN1 is on the minus strand); deleting any 3 consecutive bases within chr5:45,695,891-45,695,895 gives the same sequence; the c. name uses the placement nearest the transcript's 3' end. VCF-style (leftmost placement, unchanged base first): chr5-45695890-GCCA-G. GRCh37 (hg19) VCF-style: chr5-45695992-GCCA-G.
Other names: short protein forms G74del.
Identifiers: ClinVar variation 3730065 (VCV003730065.2).

ClinVar aggregate classification (germline): Uncertain significance (1 of 4 stars; one submission).

Conditions:
Early-infantile DEE. Also called: Early infantile epileptic encephalopathy; Ohtahara syndrome; Early infantile epileptic encephalopathy with suppression bursts. Identifiers: Orphanet 1934, MedGen C0393706, MONDO:0800491.

Submission:

Labcorp Genetics (formerly Invitae), Labcorp
Classification: Uncertain significance for Early-infantile DEE. Last evaluated: 2024-12-28. Review status: criteria provided, single submitter. Criteria: Invitae Variant Classification Sherloc (09022015). Collection method: clinical testing. Allele origin: germline.
Comment: This variant, c.201_203del, results in the deletion of 1 amino acid(s) of the HCN1 protein (p.Gly74del), but otherwise preserves the integrity of the reading frame. The frequency data for this variant in the population databases is considered unreliable, as metrics indicate poor data quality at this position in the gnomAD database. This variant has been observed in individual(s) with developmental and epileptic encephalopathy (PMID: 34055682). This variant is also known as c.202_204del, p.68_68del. In summary, the available evidence is currently insufficient to determine the role of this variant in disease. Therefore, it has been classified as a Variant of Uncertain Significance.

Literature cited by the submitters: PubMed 34055682.